The following is an entry in ClinVar:

ClinVar aggregate classification (germline): Uncertain significance. Review status: criteria provided, multiple submitters, no conflicts (2 of 4 stars). 2 submissions from 2 submitters: Uncertain significance (2). Last evaluated 2023-12-22.

Conditions:
Inborn genetic diseases. Identifiers: MedGen C0950123, MeSH D030342.
Mosaic variegated aneuploidy syndrome 1 (MVA1). Also called: Warburton-Anyane-Yeboa syndrome. Identifiers: Orphanet 1052, MedGen C1850343, MONDO:0009759, OMIM 257300.

Submissions (2):

Ambry Genetics
Classification: Uncertain significance for Inborn genetic diseases. Last evaluated: 2023-12-22. Review status: criteria provided, single submitter. Criteria: Ambry Variant Classification Scheme 2023. Collection method: clinical testing. Allele origin: germline.
Comment: The p.S884R variant (also known as c.2652T>A), located in coding exon 20 of the BUB1B gene, results from a T to A substitution at nucleotide position 2652. The serine at codon 884 is replaced by arginine, an amino acid with dissimilar properties. This amino acid position is conserved. In addition, this alteration is predicted to be tolerated by in silico analysis. Since supporting evidence is limited at this time, the clinical significance of this alteration remains unclear.

Labcorp Genetics (formerly Invitae), Labcorp
Classification: Uncertain significance for Mosaic variegated aneuploidy syndrome 1. Last evaluated: 2023-09-26. Review status: criteria provided, single submitter. Criteria: Invitae Variant Classification Sherloc (09022015). Collection method: clinical testing. Allele origin: germline.
Comment: In summary, the available evidence is currently insufficient to determine the role of this variant in disease. Therefore, it has been classified as a Variant of Uncertain Significance. An algorithm developed to predict the effect of missense changes on protein structure and function (PolyPhen-2) suggests that this variant is likely to be tolerated. This variant has not been reported in the literature in individuals affected with BUB1B-related conditions. This variant is not present in population databases (gnomAD no frequency). This sequence change replaces serine, which is neutral and polar, with arginine, which is basic and polar, at codon 884 of the BUB1B protein (p.Ser884Arg).

NM_001211.6(BUB1B):c.2652T>A (p.Ser884Arg)

Gene: BUB1B (BUB1 mitotic checkpoint serine/threonine kinase B; plus strand). Cytogenetic location: 15q15.1.
Variant type: single nucleotide variant.
Coding change: c.2652T>A on transcript NM_001211.6 (MANE Select); coding-DNA position 2652, T replaced by A.
Protein change: p.Ser884Arg; replaces serine 884 with arginine.
Molecular consequence: missense variant.
Genome position (GRCh38, 1-based): chr15:40,213,448, T>A. VCF-style: chr15-40213448-T-A. GRCh37 (hg19) VCF-style: chr15-40505649-T-A.
Other names: short protein forms S884R.
Identifiers: ClinVar variation 2811488 (VCV002811488.4), dbSNP rs2037738689, ClinGen allele CA391686525.